The following is an entry in ClinVar:

ClinVar aggregate classification (germline): Pathogenic. Review status: reviewed by expert panel (3 of 4 stars). 19 submissions from 19 submitters: Pathogenic (1). 18 of the submissions do not count toward it. Last evaluated 2017-03-17.

Conditions:
Cystic fibrosis diagnostic test.
CFTR-related disorder (CFTR-RD). Also called: CFTR-related disorders; CFTR-related condition. Identifiers: MedGen C5924204, MONDO:7770004.
Bronchiectasis with or without elevated sweat chloride 1 (BESC1). Also called: Cystic Fibrosis-Like Syndrome. Identifiers: Orphanet 60033, MedGen C2749757, MONDO:0008887, OMIM 211400.
Cystic fibrosis (CF). Also called: MUCOVISCIDOSIS. Identifiers: Orphanet 586, MedGen C0010674, MONDO:0009061, OMIM 219700. Disease mechanism: loss of function.

Submissions 1 to 11 of 19:

CFTR2
Classification: Pathogenic for Cystic fibrosis. Last evaluated: 2017-03-17. Review status: reviewed by expert panel. Criteria: Sosnay PR et al. (Nat Genet 2013). Collection method: research. Allele origin: germline. Affected: yes. Study: CFTR2.

Labcorp Genetics (formerly Invitae), Labcorp
Classification: Pathogenic for Cystic fibrosis. Last evaluated: 2025-11-13. Review status: criteria provided, single submitter. Criteria: Invitae Variant Classification Sherloc (09022015). Collection method: clinical testing. Allele origin: germline. Not counted in ClinVar's aggregate classification.
Comment: This sequence change creates a premature translational stop signal (p.Phe316Leufs*12) in the CFTR gene. It is expected to result in an absent or disrupted protein product. Loss-of-function variants in CFTR are known to be pathogenic (PMID: 1695717, 7691345, 9725922). This variant is present in population databases (rs775056460, gnomAD 0.007%). This premature translational stop signal has been observed in individual(s) with cystic fibrosis and/or pancreatic insufficiency (PMID: 1379211, 22658665, 27738188). This variant is also known as c.1078del. ClinVar contains an entry for this variant (Variation ID: 7163). For these reasons, this variant has been classified as Pathogenic.

NHS Central & South Genomic Laboratory Hub
Classification: Pathogenic for Cystic fibrosis diagnostic test. Last evaluated: 2025-10-21. Review status: criteria provided, single submitter. Criteria: ACMG Guidelines, 2015. Collection method: clinical testing. Allele origin: germline. Affected: yes. Not counted in ClinVar's aggregate classification.

Ambry Genetics
Classification: Pathogenic for Cystic fibrosis. Last evaluated: 2025-09-17. Review status: criteria provided, single submitter. Criteria: Ambry Variant Classification Scheme 2023. Collection method: clinical testing. Allele origin: germline. Not counted in ClinVar's aggregate classification.
Comment: The c.948delT pathogenic mutation, located in coding exon 8 of the CFTR gene, results from a deletion of one nucleotide at position 948, causing a translational frameshift with a predicted alternate stop codon (p.F316Lfs*12). This variant was reported in an individual diagnosed with cystic fibrosis, severe pulmonary disease, pancreatic insufficiency, and elevated sweat chloride levels in conjunction with p.F508del (Claustres M et al. Genomics, 1992 Jul;13:907-8). This alteration is associated with elevated sweat chloride levels, lung disease, and pancreatic insufficiency (Sosnay PR et al. Nat. Genet., 2013 Oct;45:1160-7). Of note, this alteration is also known as 1078delT in published literature. This alteration is expected to result in loss of function by premature protein truncation or nonsense-mediated mRNA decay. As such, this alteration is interpreted as a disease-causing mutation.

Natera, Inc.
Classification: Pathogenic for CFTR-related disorders. Last evaluated: 2025-09-01. Review status: criteria provided, single submitter. Criteria: Natera Variant Classification Schema (03/2026). Collection method: clinical testing. Allele origin: germline. Not counted in ClinVar's aggregate classification.
Comment: The c.948delT variant in CFTR is a frameshift variant predicted to shift the reading frame beginning at codon 316 and leads to a stop codon 12 codons downstream. This variant is expected to result in nonsense mediated decay, truncation, or a dysfunctional protein product. This variant is rare in the general population with a frequency below the threshold expected for the associated phenotype(s). This variant has been observed in one or more individuals affected with the associated recessive disease, as either homozygous or compound heterozygous with a second variant (PMID: 17825628). Given the available evidence, this variant is classified as Pathogenic.

PreventionGenetics, part of Exact Sciences
Classification: Pathogenic for CFTR-related condition. Last evaluated: 2025-08-25. Review status: criteria provided, single submitter. Criteria: ACMG Guidelines, 2015. Collection method: clinical testing. Allele origin: germline. Not counted in ClinVar's aggregate classification.
Comment: The CFTR c.948delT variant is predicted to result in a frameshift and premature protein termination (p.Phe316Leufs*12). This variant, previously referred to as c.1078delT using legacy nomenclature, has been reported in several individuals with pancreatic insufficiency and/or cystic fibrosis (see for example, Claustres et al. 1992. PubMed ID: 1379211; Ooi et al. 2012. PubMed ID: 22658665; Sosnay et al. 2013. PubMed ID: 23974870). This variant is reported in 0.0062% of alleles in individuals of African descent in gnomAD. Frameshift variants in CFTR are expected to be pathogenic. This variant is interpreted as pathogenic.

Quest Diagnostics Nichols Institute San Juan Capistrano
Classification: Pathogenic. Last evaluated: 2025-02-28. Review status: criteria provided, single submitter. Criteria: Quest Diagnostics criteria. Collection method: clinical testing. Allele origin: unknown. Not counted in ClinVar's aggregate classification.
Comment: The CFTR c.948del (p.Phe316Leufs*12) variant alters the translational reading frame of the CFTR mRNA and causes the premature termination of CFTR protein synthesis. This variant has been reported in the published literature in individuals with cystic fibrosis (PMIDs: 1379211 (1992), 11484207 (2001), 18456578 (2008), 23974870 (2013), and 28603918 (2018)). It has also been described in individuals with pancreatitis (PMIDs: 22658665 (2012) and 27738188 (2016)). The frequency of this variant in the general population (Genome Aggregation Database) is consistent with pathogenicity. Based on the available information, this variant is classified as pathogenic.

ARUP Laboratories, Molecular Genetics and Genomics, ARUP Laboratories
Classification: Pathogenic for Cystic fibrosis. Last evaluated: 2024-10-01. Review status: criteria provided, single submitter. Criteria: ARUP Molecular Germline Variant Investigation Process 2024. Collection method: clinical testing. Allele origin: germline. Not counted in ClinVar's aggregate classification.
Comment: The CFTR c.948del; p.Phe316LeufsTer12 variant (rs75528968, ClinVar Variation ID: 7163), also known as 1078delT, is reported in the literature in multiple individuals with cystic fibrosis, including the pancreatic insufficient form (Claustres 1992, Ooi 2012, Orozco 2001, Raraigh 2022, Sosnay 2013, CFTR2 database). This variant is found in the general population with an overall allele frequency of .002% (6/251272 alleles) in the Genome Aggregation Database (v2.1.1). This variant causes a frameshift by deleting a single nucleotide, so it is predicted to result in a truncated protein or mRNA subject to nonsense-mediated decay. Based on available information, this variant is considered to be pathogenic. References: CFTR2 database: Claustres M et al. A new mutation (1078delT) in exon 7 of the CFTR gene in a southern French adult with cystic fibrosis. Genomics. 1992 Jul;13(3):907-8. PMID: 1379211. Ooi CY, Durie PR. Cystic fibrosis transmembrane conductance regulator (CFTR) gene mutations in pancreatitis. J Cyst Fibros. 2012 Sep;11(5):355-62. PMID: 22658665. Orozco L et al. XV-2c/KM-19 haplotype analysis of cystic fibrosis mutations in Mexican patients. Am J Med Genet. 2001 Aug 15;102(3):277-81. PMID: 11484207. Raraigh KS et al. Complete CFTR gene sequencing in 5,058 individuals with cystic fibrosis informs variant-specific treatment. J Cyst Fibros. 2022 May;21(3):463-470. PMID: 34782259. Sosnay PR et al. Defining the disease liability of variants in the cystic fibrosis transmembrane conductance regulator gene. Nat Genet. 2013 Oct;45(10):1160-7. PMID: 23974870.

Baylor Genetics
Classification: Pathogenic for Bronchiectasis with or without elevated sweat chloride 1. Last evaluated: 2024-03-24. Review status: criteria provided, single submitter. Criteria: ACMG Guidelines, 2015. Collection method: clinical testing. Allele origin: unknown. Not counted in ClinVar's aggregate classification.

Blueprint Genetics
Classification: Pathogenic for CFTR-related disorders. Last evaluated: 2023-09-28. Review status: criteria provided, single submitter. Criteria: ACMG Guidelines, 2015. Collection method: clinical testing. Allele origin: germline. Affected: yes. Observed: 2 variant alleles. Not counted in ClinVar's aggregate classification.

Institute of Human Genetics, University of Leipzig Medical Center
Classification: Pathogenic for Cystic fibrosis. Last evaluated: 2022-09-05. Review status: criteria provided, single submitter. Criteria: ACMG Guidelines, 2015. Collection method: curation. Allele origin: unknown. Affected: yes. Observed: 1 variant allele. Not counted in ClinVar's aggregate classification.
Comment: The variant was classified in the context of a project re-classifying variants in the German Cystic Fibrosis Registry (Muko.e.V.). Criteria applied: PVS1, PM2_SUP, PM3_VSTR

NM_000492.4(CFTR):c.948del (p.Phe316fs)

Gene: CFTR (CF transmembrane conductance regulator; plus strand). Cytogenetic location: 7q31.2.
Variant type: Deletion.
Coding change: c.948del on transcript NM_000492.4 (MANE Select); coding-DNA position 948, one base deleted (T; older notation c.948delT).
Protein change: p.Phe316fs; shifts the reading frame from phenylalanine 316.
Molecular consequence: frameshift variant.
Genome position (GRCh38, 1-based): chr7:117,540,178, T deleted; the last of 3 consecutive T bases (chr7:117,540,176-117,540,178); deleting any one gives the same sequence. VCF-style (leftmost placement, unchanged base first): chr7-117540175-CT-C. GRCh37 (hg19) VCF-style: chr7-117180229-CT-C.
Other names: 1078delT; c.948delT (NM_000492.3).
Identifiers: ClinVar variation 7163 (VCV000007163.96), dbSNP rs75528968, ClinGen allele CA221039.